The following is an entry in ClinVar:

ClinVar aggregate classification (germline): Uncertain significance (1 of 4 stars; one submission).

Conditions:
Pheochromocytoma. Also called: MAX-Related Hereditary Paraganglioma-Pheochromocytoma Syndrome. Identifiers: Orphanet 29072, MedGen C0031511, MONDO:0008233, OMIM 171300, HP:0002666.
Pheochromocytoma/paraganglioma syndrome 4. Also called: CAROTID BODY TUMORS AND MULTIPLE EXTRAADRENAL PHEOCHROMOCYTOMAS; PARAGANGLIOMA, FAMILIAL MALIGNANT; PARAGANGLIOMAS, HEREDITARY EXTRAADRENAL; PHEOCHROMOCYTOMA, FAMILIAL EXTRAADRENAL; Paragangliomas 4; SDHB-Related Hereditary Paraganglioma-Pheochromocytoma Syndrome (Paragangliomas 4). Identifiers: Orphanet 29072, MedGen C1861848, MONDO:0007273, OMIM 115310.
Gastrointestinal stromal tumor. Also called: Gastrointestinal stroma tumor; Gastrointestinal stromal tumor, somatic. Identifiers: Orphanet 44890, MedGen C0238198, MeSH D046152, MONDO:0011719, OMIM 606764, HP:0100723.

Allele frequency attached by ClinVar (database versions not stated): gnomAD exomes below 0.00001.
gnomAD v4.1: 1 of 1,614,042 alleles (0.000062%); highest among the groups gnomAD compares: Non-Finnish European, 0.000085%; no homozygotes.

Submission:

Labcorp Genetics (formerly Invitae), Labcorp
Classification: Uncertain significance for Gastrointestinal stromal tumor; Pheochromocytoma/paraganglioma syndrome 4; Pheochromocytoma. Last evaluated: 2021-10-13. Review status: criteria provided, single submitter. Criteria: Invitae Variant Classification Sherloc (09022015). Collection method: clinical testing. Allele origin: germline.
Comment: This sequence change replaces serine with isoleucine at codon 198 of the SDHB protein (p.Ser198Ile). The serine residue is highly conserved and there is a large physicochemical difference between serine and isoleucine. This variant is not present in population databases (ExAC no frequency). This variant has not been reported in the literature in individuals affected with SDHB-related conditions. Advanced modeling of protein sequence and biophysical properties (such as structural, functional, and spatial information, amino acid conservation, physicochemical variation, residue mobility, and thermodynamic stability) performed at Invitae indicates that this missense variant is expected to disrupt SDHB protein function. In summary, the available evidence is currently insufficient to determine the role of this variant in disease. Therefore, it has been classified as a Variant of Uncertain Significance.

NM_003000.3(SDHB):c.593G>T (p.Ser198Ile)

Gene: SDHB (succinate dehydrogenase complex iron sulfur subunit B; minus strand). Cytogenetic location: 1p36.13.
Variant type: single nucleotide variant.
Coding change: c.593G>T on transcript NM_003000.3 (MANE Select); coding-DNA position 593, G replaced by T.
Protein change: p.Ser198Ile; replaces serine 198 with isoleucine.
Molecular consequence: missense variant.
Genome position (GRCh38, 1-based): chr1:17,024,022, C>A on the plus strand (G>T on the coding strand, the complement: SDHB is on the minus strand). VCF-style: chr1-17024022-C-A. GRCh37 (hg19) VCF-style: chr1-17350517-C-A.
Other names: short protein forms S198I.
Identifiers: ClinVar variation 1385195 (VCV001385195.6), dbSNP rs1570945857, ClinGen allele CA338271108.
Genomic context (GRCh38, chr1:17,024,022, plus strand): 5'-GAGCACCTCACCTGCATAAGAACTGCAGGCCCCAGATATTTGTCTCCGTTCCACCAGTAG[C>A]TGGGGCAGCTGGTGCTACAGCAGGCACAGAGAATGCACTCGTAGAGCCCGTCCTGTATGG-3'
Protein context (NP_002991.2, residues 188-208): LCACCSTSCP[Ser198Ile]YWWNGDKYLG